The following is an entry in ClinVar:

ClinVar aggregate classification (germline): Likely benign. Review status: criteria provided, single submitter (1 of 4 stars). 2 submissions from 2 submitters: Likely benign (1). 1 of the submissions does not count toward it. Last evaluated 2024-09-09.

Conditions:
ATP13A3-related disorder. Also called: ATP13A3-related condition.

Allele frequency attached by ClinVar (database versions not stated): gnomAD exomes below 0.00001; TOPMed 0.00001; ExAC 0.00002; gnomAD 0.00005.
gnomAD v4.1: 13 of 1,613,524 alleles (0.00081%); highest among the groups gnomAD compares: Admixed American, 0.012%; no homozygotes.

Submissions (2):

Blueprint Genetics
Classification: Likely benign. Last evaluated: 2024-09-09. Review status: criteria provided, single submitter. Criteria: ACMG Guidelines, 2015. Collection method: clinical testing. Allele origin: germline.

PreventionGenetics, part of Exact Sciences
Classification: Likely benign for ATP13A3-related condition. Last evaluated: 2019-02-22. Review status: no assertion criteria provided. Collection method: clinical testing. Allele origin: germline. Not counted in ClinVar's aggregate classification.
Comment: This variant is classified as likely benign based on ACMG/AMP sequence variant interpretation guidelines (Richards et al. 2015 PMID: 25741868, with internal and published modifications).

NM_001367549.1(ATP13A3):c.1014A>C (p.Ser338=)

Gene: ATP13A3 (ATPase 13A3; minus strand). Cytogenetic location: 3q29.
Variant type: single nucleotide variant.
Coding change: c.1014A>C on transcript NM_001367549.1 (MANE Select); coding-DNA position 1014, A replaced by C.
Protein change: p.Ser338=; no amino-acid change (serine 338 retained).
Molecular consequence: synonymous variant. On other transcripts: non-coding transcript variant (2).
Genome position (GRCh38, 1-based): chr3:194,448,593, T>G on the plus strand (A>C on the coding strand, the complement: ATP13A3 is on the minus strand). VCF-style: chr3-194448593-T-G. GRCh37 (hg19) VCF-style: chr3-194169322-T-G.
Other names: c.933A>C, p.Ser311= (NM_001374836.1); c.1014A>C, p.Ser338= (NM_024524.4).
Identifiers: ClinVar variation 3057862 (VCV003057862.3), dbSNP rs773140654, ClinGen allele CA2762076.